The following is an entry in ClinVar:

NM_001365276.2(TNXB):c.4706_4707del (p.Thr1569fs)

Gene: TNXB (tenascin XB; minus strand). Cytogenetic location: 6p21.33.
Variant type: Microsatellite.
Coding change: c.4706_4707del on transcript NM_001365276.2 (MANE Select); coding-DNA positions 4706 to 4707, 2 bases deleted (CA; older notation c.4706_4707delCA).
Protein change: p.Thr1569fs; shifts the reading frame from threonine 1569.
Molecular consequence: frameshift variant.
Genome position (GRCh38, 1-based): chr6:32,072,273-32,072,274, TG deleted on the plus strand (CA on the coding strand, the reverse complement: TNXB is on the minus strand); deleting any 2 consecutive bases within chr6:32,072,273-32,072,276 gives the same sequence; the c. name uses the placement nearest the transcript's 3' end. VCF-style (leftmost placement, unchanged base first): chr6-32072272-CTG-C. GRCh37 (hg19) VCF-style: chr6-32040049-CTG-C.
Other names: c.5447_5448del, p.Thr1816fs (NM_001428335.1); c.4706_4707del, p.Thr1569fs (NM_019105.8); c.4706_4707delCA (NM_019105.6, NM_019105.8); short protein forms T1816fs, T1569fs.
Identifiers: ClinVar variation 3593470 (VCV003593470.4).

ClinVar aggregate classification (germline): Pathogenic/Likely pathogenic. Review status: criteria provided, multiple submitters, no conflicts (2 of 4 stars). 3 submissions from 3 submitters: Pathogenic (2); Likely pathogenic (1). Last evaluated 2026-04-16.

Conditions:
Ehlers-Danlos syndrome due to tenascin-X deficiency (EDSCLL1). Also called: TNX DEFICIENCY; EDS DUE TO TNX DEFICIENCY; EHLERS-DANLOS SYNDROME, CLASSIC-LIKE; Ehlers-Danlos syndrome, classic-like, 1; TNXB-Related Classical-Like Ehlers-Danlos Syndrome. Identifiers: Orphanet 230839, MedGen C1848029, MONDO:0011670, OMIM 606408.
Vesicoureteral reflux 8 (VUR8). Identifiers: Orphanet 289365, MedGen C4014831, MONDO:0014422, OMIM 615963.
Cardiovascular phenotype. Identifiers: MedGen CN230736.

Submissions (3):

Ambry Genetics
Classification: Pathogenic for Cardiovascular phenotype. Last evaluated: 2026-04-16. Review status: criteria provided, single submitter. Criteria: Ambry Variant Classification Scheme 2023. Collection method: clinical testing. Allele origin: germline.
Comment: The c.4706_4707delCA pathogenic mutation, located in coding exon 12 of the TNXB gene, results from a deletion of two nucleotides at nucleotide positions 4706 to 4707, causing a translational frameshift with a predicted alternate stop codon (p.T1569Rfs*22). This alteration is expected to result in loss of function by premature protein truncation or nonsense-mediated mRNA decay. As such, this alteration is interpreted as a disease-causing mutation.

Women's Health and Genetics/Laboratory Corporation of America, LabCorp
Classification: Pathogenic for Ehlers-Danlos syndrome due to tenascin-X deficiency. Last evaluated: 2025-10-01. Review status: criteria provided, single submitter. Criteria: LabCorp Variant Classification Summary - May 2015. Collection method: clinical testing. Allele origin: germline.
Comment: Variant summary: TNXB c.4706_4707delCA (p.Thr1569ArgfsX22) results in a premature termination codon, predicted to cause a truncation of the encoded protein or absence of the protein due to nonsense mediated decay, which are commonly known mechanisms for disease. The variant allele was found at a frequency of 2e-05 in 245336 control chromosomes. c.4706_4707delCA has been observed in the heterozygous state in an individual who had a spontaneous coronary artery dissection (example: Carss_2020). This report does not provide unequivocal conclusions about association of the variant with Ehlers-Danlos syndrome due to tenascin-X deficiency. To our knowledge, no experimental evidence demonstrating an impact on protein function has been reported. The following publication has been ascertained in the context of this evaluation (PMID: 33125268). ClinVar contains an entry for this variant (Variation ID: 3593470). Based on the evidence outlined above, the variant was classified as pathogenic.

Fulgent Genetics
Classification: Likely pathogenic for Ehlers-Danlos syndrome due to tenascin-X deficiency; Vesicoureteral reflux 8. Last evaluated: 2024-01-30. Review status: criteria provided, single submitter. Criteria: ACMG Guidelines, 2015. Collection method: clinical testing. Allele origin: germline.

Literature cited by the submitters: PubMed 33125268 (cited by Women's Health and Genetics/Laboratory Corporation of America, LabCorp).